The following is an entry in ClinVar:

NM_000132.4(F8):c.3029T>G (p.Phe1010Cys)

Gene: F8 (coagulation factor VIII; minus strand). Cytogenetic location: Xq28.
Variant type: single nucleotide variant.
Coding change: c.3029T>G on transcript NM_000132.4 (MANE Select); coding-DNA position 3029, T replaced by G.
Protein change: p.Phe1010Cys; replaces phenylalanine 1010 with cysteine.
Molecular consequence: missense variant.
Genome position (GRCh38, 1-based): chrX:154,930,761, A>C on the plus strand (T>G on the coding strand, the complement: F8 is on the minus strand). VCF-style: chrX-154930761-A-C. GRCh37 (hg19) VCF-style: chrX-154159036-A-C.
Other names: short protein forms F1010C.
Identifiers: ClinVar variation 4687109 (VCV004687109.1).
Genomic context (GRCh38, chrX:154,930,761, plus strand): 5'-CTATTAGTTGCTGAATTATTGGAAGTTTTGTTTGTCTTTAACAAAGAGATGCTAACTTTG[A>C]ATAAGGCATTATCTTTAGTCAACAAAGCAGGTCCATGAGCTCTTTTCCCTTTAAATAACC-3'
Protein context (NP_000123.1, residues 1000-1020): PALLTKDNAL[Phe1010Cys]KVSISLLKTN

ClinVar aggregate classification (germline): Likely benign (1 of 4 stars; one submission).

Submission:

Women's Health and Genetics/Laboratory Corporation of America, LabCorp
Classification: Likely benign. Last evaluated: 2025-10-22. Review status: criteria provided, single submitter. Criteria: LabCorp Variant Classification Summary - May 2015. Collection method: clinical testing. Allele origin: germline.
Comment: Variant summary: F8 c.3029T>G (p.Phe1010Cys) results in a non-conservative amino acid change in the encoded protein sequence. Algorithms developed to predict the effect of missense changes on protein structure and function are either unavailable or do not agree on the potential impact of this missense change. The variant allele was found at a frequency of 1.1e-05 in 1209093 control chromosomes including 7 hemizygotes. To our knowledge, no occurrence of c.3029T>G in individuals affected with F8-related conditions and no experimental evidence demonstrating its impact on protein function have been reported. No submitters have cited clinical-significance assessments for this variant to ClinVar. Based on the evidence outlined above, the variant was classified as likely benign.